The following is an entry in ClinVar:

NM_012186.3(FOXE3):c.151G>T (p.Ala51Ser)

Genes: FOXE3 (forkhead box E3; plus strand), LINC01389 (long independently transcribed non-coding RNA 1389; minus strand). Cytogenetic location: 1p33.
Variant type: single nucleotide variant.
Coding change: c.151G>T on transcript NM_012186.3 (MANE Select); coding-DNA position 151, G replaced by T.
Protein change: p.Ala51Ser; replaces alanine 51 with serine.
Molecular consequence: missense variant.
Genome position (GRCh38, 1-based): chr1:47,416,466, G>T. VCF-style: chr1-47416466-G-T. GRCh37 (hg19) VCF-style: chr1-47882138-G-T.
Other names: short protein forms A51S.
Identifiers: ClinVar variation 1483922 (VCV001483922.11), dbSNP rs1366587048, ClinGen allele CA340249137.

ClinVar aggregate classification (germline): Uncertain significance. Review status: criteria provided, multiple submitters, no conflicts (2 of 4 stars). 2 submissions from 2 submitters: Uncertain significance (2). Last evaluated 2025-10-22.

Conditions:
Cardiovascular phenotype. Identifiers: MedGen CN230736.
Anterior segment dysgenesis. Also called: Ocular anterior segment dysgenesis. Identifiers: Orphanet 88632, MedGen C1862839, MONDO:0019503, HP:0007700.
Congenital primary aphakia. Also called: ANTERIOR SEGMENT DYSGENESIS 2; Anterior segment dysgenesis 2, multiple subtypes. Identifiers: Orphanet 83461, MedGen C1853230, MONDO:0012456, OMIM 610256.

Allele frequency attached by ClinVar (database versions not stated): TOPMed 0.00002.

Submissions (2):

Labcorp Genetics (formerly Invitae), Labcorp
Classification: Uncertain significance for Anterior segment dysgenesis; Congenital primary aphakia. Last evaluated: 2025-10-22. Review status: criteria provided, single submitter. Criteria: Invitae Variant Classification Sherloc (09022015). Collection method: clinical testing. Allele origin: germline.
Comment: This sequence change replaces alanine, which is neutral and non-polar, with serine, which is neutral and polar, at codon 51 of the FOXE3 protein (p.Ala51Ser). The frequency data for this variant in the population databases is considered unreliable, as metrics indicate insufficient coverage at this position in the gnomAD database. This variant has not been reported in the literature in individuals affected with FOXE3-related conditions. ClinVar contains an entry for this variant (Variation ID: 1483922). Invitae Evidence Modeling of protein sequence and biophysical properties (such as structural, functional, and spatial information, amino acid conservation, physicochemical variation, residue mobility, and thermodynamic stability) indicates that this missense variant is not expected to disrupt FOXE3 protein function with a negative predictive value of 95%. In summary, the available evidence is currently insufficient to determine the role of this variant in disease. Therefore, it has been classified as a Variant of Uncertain Significance.

Ambry Genetics
Classification: Uncertain significance for Cardiovascular phenotype. Last evaluated: 2025-02-04. Review status: criteria provided, single submitter. Criteria: Ambry Variant Classification Scheme 2023. Collection method: clinical testing. Allele origin: germline.
Comment: The p.A51S variant (also known as c.151G>T), located in coding exon 1 of the FOXE3 gene, results from a G to T substitution at nucleotide position 151. The alanine at codon 51 is replaced by serine, an amino acid with similar properties. This amino acid position is conserved. In addition, this alteration is predicted to be tolerated by in silico analysis. Since supporting evidence is limited at this time, the clinical significance of this alteration remains unclear.